The following is an entry in ClinVar:

ClinVar aggregate classification (germline): Conflicting classifications of pathogenicity. Review status: criteria provided, conflicting classifications (1 of 4 stars). 6 submissions from 6 submitters: Uncertain significance (5); Likely benign (1). Last evaluated 2026-05-26.

Conditions:
SMARCA4-related disorder. Also called: SMARCA4-related condition.
Hereditary cancer-predisposing syndrome. Also called: Neoplastic Syndromes, Hereditary; Hereditary Cancer Syndrome; Tumor predisposition; Hereditary neoplastic syndrome. Identifiers: Orphanet 140162, MedGen C0027672, MeSH D009386, MONDO:0015356.
Intellectual disability, autosomal dominant 16 (CSS4). Also called: COFFIN-SIRIS SYNDROME 4. Identifiers: Orphanet 1465, MedGen C3553249, MONDO:0013821, OMIM 614609.
Rhabdoid tumor predisposition syndrome 2 (RTPS2). Identifiers: Orphanet 231108, Orphanet 69077, MedGen C2750074, MONDO:0013224, OMIM 613325.

Allele frequency attached by ClinVar (database versions not stated): gnomAD exomes 0.00002; TOPMed 0.00003.

Submissions (6):

PreventionGenetics, part of Exact Sciences
Classification: Uncertain significance for SMARCA4-related condition. Last evaluated: 2026-05-26. Review status: criteria provided, single submitter. Criteria: ACMG Guidelines, 2015. Collection method: clinical testing. Allele origin: germline.
Comment: The SMARCA4 c.661C>A variant is predicted to result in the amino acid substitution p.Pro221Thr. This variant has been reported in the literature in an individual with a neurodevelopmental disorder (Valencia et al. 2023. PubMed ID: 37500730). This variant is reported in 0.012% of alleles in individuals of Latino descent in gnomAD. This variant has conflicting interpretations in ClinVar ranging from uncertain to likely benign (Variation ID: 486463). At this time, the clinical significance of this variant is uncertain due to the absence of conclusive functional and genetic evidence.

Labcorp Genetics (formerly Invitae), Labcorp
Classification: Uncertain significance for Rhabdoid tumor predisposition syndrome 2. Last evaluated: 2025-10-14. Review status: criteria provided, single submitter. Criteria: Invitae Variant Classification Sherloc (09022015). Collection method: clinical testing. Allele origin: germline.
Comment: This sequence change replaces proline, which is neutral and non-polar, with threonine, which is neutral and polar, at codon 221 of the SMARCA4 protein (p.Pro221Thr). The frequency data for this variant in the population databases is considered unreliable, as metrics indicate poor data quality at this position in the gnomAD database. This missense change has been observed in individual(s) with neurodevelopmental disorders (PMID: 37500730). ClinVar contains an entry for this variant (Variation ID: 486463). Invitae Evidence Modeling of protein sequence and biophysical properties (such as structural, functional, and spatial information, amino acid conservation, physicochemical variation, residue mobility, and thermodynamic stability) indicates that this missense variant is not expected to disrupt SMARCA4 protein function with a negative predictive value of 95%. RNA analysis performed to evaluate the impact of this missense change on mRNA splicing indicates it does not significantly alter splicing (internal data). In summary, the available evidence is currently insufficient to determine the role of this variant in disease. Therefore, it has been classified as a Variant of Uncertain Significance.

GeneDx
Classification: Uncertain significance. Last evaluated: 2024-04-17. Review status: criteria provided, single submitter. Criteria: GeneDx Variant Classification Process June 2021. Collection method: clinical testing. Allele origin: germline. Affected: yes.
Comment: In silico analysis indicates that this missense variant does not alter protein structure/function; Has not been previously published as pathogenic or benign to our knowledge; In silico analysis suggests this variant may impact gene splicing. In the absence of RNA/functional studies, the actual effect of this sequence change is unknown

Ambry Genetics
Classification: Likely benign for Hereditary cancer-predisposing syndrome. Last evaluated: 2023-01-04. Review status: criteria provided, single submitter. Criteria: Ambry Variant Classification Scheme 2023. Collection method: clinical testing. Allele origin: germline.

Genome-Nilou Lab
Classification: Uncertain significance for Intellectual disability, autosomal dominant 16. Last evaluated: 2021-07-15. Review status: criteria provided, single submitter. Criteria: ACMG Guidelines, 2015. Collection method: clinical testing. Allele origin: germline. Affected: no.

Baylor Genetics
Classification: Uncertain significance for Intellectual disability, autosomal dominant 16. Last evaluated: 2019-01-16. Review status: criteria provided, single submitter. Criteria: ACMG Guidelines, 2015. Collection method: clinical testing. Allele origin: unknown. Affected: yes.
Comment: This variant was determined to be of uncertain significance according to ACMG Guidelines, 2015 [PMID:25741868].

Literature cited by the submitters: PubMed 37500730 (cited by Labcorp Genetics (formerly Invitae), Labcorp).

NM_003072.5(SMARCA4):c.661C>A (p.Pro221Thr)

Gene: SMARCA4 (SWI/SNF related BAF chromatin remodeling complex subunit ATPase 4; plus strand). Cytogenetic location: 19p13.2.
Variant type: single nucleotide variant.
Coding change: c.661C>A on transcript NM_003072.5 (MANE Select); coding-DNA position 661, C replaced by A.
Protein change: p.Pro221Thr; replaces proline 221 with threonine.
Molecular consequence: missense variant. On other transcripts: non-coding transcript variant (1).
Genome position (GRCh38, 1-based): chr19:10,986,494, C>A. VCF-style: chr19-10986494-C-A. GRCh37 (hg19) VCF-style: chr19-11097170-C-A.
Other names: c.661C>A, p.Pro221Thr (NM_001128844.3, NM_001128845.2, NM_001128846.2 and 5 more transcripts); short protein forms P221T.
Identifiers: ClinVar variation 486463 (VCV000486463.17), dbSNP rs1417452362, ClinGen allele CA404056853.